The following is an entry in ClinVar:

ClinVar aggregate classification (germline): Uncertain significance. Review status: criteria provided, multiple submitters, no conflicts (2 of 4 stars). 3 submissions from 3 submitters: Uncertain significance (3). Last evaluated 2024-12-16.

Conditions:
Autosomal dominant Parkinson disease 8. Also called: Parkinson disease 8, susceptibility to; LRRK2-Related Parkinson Disease; Parkinson disease 8. Identifiers: Orphanet 411602, MedGen C1846862, MONDO:0011764, OMIM 607060.
Inborn genetic diseases. Identifiers: MedGen C0950123, MeSH D030342.

Submissions (3):

GeneDx
Classification: Uncertain significance. Last evaluated: 2024-12-16. Review status: criteria provided, single submitter. Criteria: GeneDx Variant Classification Process June 2021. Collection method: clinical testing. Allele origin: germline. Affected: yes.
Comment: Not observed at significant frequency in large population cohorts (gnomAD); In silico analysis indicates that this missense variant does not alter protein structure/function; Has not been previously published as pathogenic or benign to our knowledge

Ambry Genetics
Classification: Uncertain significance for Inborn genetic diseases. Last evaluated: 2024-02-03. Review status: criteria provided, single submitter. Criteria: Ambry Variant Classification Scheme 2023. Collection method: clinical testing. Allele origin: germline.
Comment: The p.G900S variant (also known as c.2698G>A), located in coding exon 21 of the LRRK2 gene, results from a G to A substitution at nucleotide position 2698. The glycine at codon 900 is replaced by serine, an amino acid with similar properties. This amino acid position is conserved. In addition, this alteration is predicted to be tolerated by in silico analysis. Based on the available evidence, the clinical significance of this alteration remains unclear.

Labcorp Genetics (formerly Invitae), Labcorp
Classification: Uncertain significance for Autosomal dominant Parkinson disease 8. Last evaluated: 2023-12-05. Review status: criteria provided, single submitter. Criteria: Invitae Variant Classification Sherloc (09022015). Collection method: clinical testing. Allele origin: germline.
Comment: This sequence change replaces glycine, which is neutral and non-polar, with serine, which is neutral and polar, at codon 900 of the LRRK2 protein (p.Gly900Ser). This variant is not present in population databases (gnomAD no frequency). This variant has not been reported in the literature in individuals affected with LRRK2-related conditions. Advanced modeling of protein sequence and biophysical properties (such as structural, functional, and spatial information, amino acid conservation, physicochemical variation, residue mobility, and thermodynamic stability) performed at Invitae indicates that this missense variant is not expected to disrupt LRRK2 protein function with a negative predictive value of 80%. In summary, the available evidence is currently insufficient to determine the role of this variant in disease. Therefore, it has been classified as a Variant of Uncertain Significance.

NM_198578.4(LRRK2):c.2698G>A (p.Gly900Ser)

Gene: LRRK2 (leucine rich repeat kinase 2; plus strand). Cytogenetic location: 12q12.
Variant type: single nucleotide variant.
Coding change: c.2698G>A on transcript NM_198578.4 (MANE Select); coding-DNA position 2698, G replaced by A.
Protein change: p.Gly900Ser; replaces glycine 900 with serine.
Molecular consequence: missense variant.
Genome position (GRCh38, 1-based): chr12:40,293,553, G>A. VCF-style: chr12-40293553-G-A. GRCh37 (hg19) VCF-style: chr12-40687355-G-A.
Other names: c.2698G>A (NM_198578.3); short protein forms G900S.
Identifiers: ClinVar variation 2748502 (VCV002748502.5), dbSNP rs1412219916, ClinGen allele CA384410604.